The following is an entry in ClinVar:

ClinVar aggregate classification (germline): Pathogenic (1 of 4 stars; one submission).

Conditions:
Ataxia-telangiectasia syndrome (AT). Also called: LOUIS-BAR SYNDROME; Cerebello-oculocutaneous telangiectasia; Immunodeficiency with ataxia telangiectasia; Ataxia telangiectasia (A-T); Ataxia-telangiectasia, complementation group D; AT, COMPLEMENTATION GROUP C. Identifiers: Orphanet 100, MedGen C0004135, MONDO:0008840, OMIM 208900.

Submission:

Labcorp Genetics (formerly Invitae), Labcorp
Classification: Pathogenic for Ataxia-telangiectasia syndrome. Last evaluated: 2025-07-30. Review status: criteria provided, single submitter. Criteria: Invitae Variant Classification Sherloc (09022015). Collection method: clinical testing. Allele origin: germline.
Comment: This sequence change creates a premature translational stop signal (p.Pro2901Serfs*4) in the ATM gene. It is expected to result in an absent or disrupted protein product. Loss-of-function variants in ATM are known to be pathogenic (PMID: 23807571, 25614872). This variant is not present in population databases (gnomAD no frequency). This variant has not been reported in the literature in individuals affected with ATM-related conditions. ClinVar contains an entry for this variant (Variation ID: 2815881). For these reasons, this variant has been classified as Pathogenic.

Literature cited by the submitters: PubMed 23807571; PubMed 25614872.

NM_000051.4(ATM):c.8700dup (p.Pro2901fs)

Genes: ATM (ATM serine/threonine kinase; plus strand), C11orf65 (chromosome 11 open reading frame 65; minus strand). Cytogenetic location: 11q22.3.
Variant type: Duplication.
Coding change: c.8700dup on transcript NM_000051.4 (MANE Select); coding-DNA position 8700, one base duplicated (T; older notation c.8700dupT).
Protein change: p.Pro2901fs; shifts the reading frame from proline 2901.
Molecular consequence: frameshift variant. On other transcripts: intron variant (2).
Genome position (GRCh38, 1-based): chr11:108,353,794, T duplicated; the last of 2 consecutive T bases (chr11:108,353,793-108,353,794); duplicating either gives the same sequence. VCF-style (leftmost placement, unchanged base first): chr11-108353792-C-CT. GRCh37 (hg19) VCF-style: chr11-108224519-C-CT.
Other names: c.8700dup, p.Pro2901fs (NM_001351834.2); c.640+32127dup (NM_001330368.2); c.695-18501dup (NM_001351110.2); short protein forms P2901fs.
Identifiers: ClinVar variation 2815881 (VCV002815881.3), dbSNP rs2547515331, ClinGen allele CA2739265992.